The following is an entry in ClinVar:

NM_000064.4(C3):c.4173-71C>T

Gene: C3 (complement C3; minus strand). Cytogenetic location: 19p13.3.
Variant type: single nucleotide variant.
Coding change: c.4173-71C>T on transcript NM_000064.4 (MANE Select); 71 bases into the intron before coding-DNA position 4173, C replaced by T.
Molecular consequence: intron variant.
Genome position (GRCh38, 1-based): chr19:6,682,300, G>A on the plus strand (C>T on the coding strand, the complement: C3 is on the minus strand). VCF-style: chr19-6682300-G-A. GRCh37 (hg19) VCF-style: chr19-6682311-G-A.
Identifiers: ClinVar variation 4855035 (VCV004855035.1).

ClinVar aggregate classification (germline): Uncertain significance (1 of 4 stars; one submission).

Conditions:
Atypical hemolytic-uremic syndrome with C3 anomaly. Also called: AHUS, SUSCEPTIBILITY TO, 5. Identifiers: Orphanet 2134, MedGen C2752037, MONDO:0013043, OMIM 612925.

Submission:

3billion
Classification: Uncertain significance for Atypical hemolytic-uremic syndrome with C3 anomaly. Last evaluated: 2025-12-01. Review status: criteria provided, single submitter. Criteria: ACMG Guidelines, 2015. Collection method: clinical testing. Allele origin: germline. Affected: yes.
Comment: The variant is not observed in the gnomAD v4.1.0 dataset. Predicted Consequence/Location: Intron variant In silico tools does not predict the variant to alter splicing and produce an abnormal transcript [SpliceAI: 0.18 (spliceogenicity >=0.2, non-spliceogenicity <0.1)]. Therefore, this variant is classified as VUS according to the recommendation of ACMG/AMP guideline.